The following is an entry in ClinVar:

ClinVar aggregate classification (germline): Uncertain significance (1 of 4 stars; one submission).

Conditions:
Deficiency of 2-methylbutyryl-CoA dehydrogenase (ACADSB). Also called: 2-methylbutyryl-CoA dehydrogenase deficiency; SBCAD deficiency; 2-methylbutyric aciduria; Short branched-chain acyl-CoA dehydrogenase deficiency; 2-methylbutyrylglycinuria. Identifiers: Orphanet 79157, MedGen C1864912, MONDO:0012392, OMIM 610006, HP:0020147.

Submission:

Juno Genomics, Hangzhou Juno Genomics, Inc
Classification: Uncertain significance for Deficiency of 2-methylbutyryl-CoA dehydrogenase. Review status: criteria provided, single submitter. Criteria: ACMG Guidelines, 2015. Collection method: clinical testing. Allele origin: germline. Affected: yes.
Comment: Absent from controls (or at extremely low frequency if recessive) in Genome Aggregation Database, Exome Sequencing Project, 1000 Genomes Project, or Exome Aggregation Consortium.;Multiple lines of computational evidence support a deleterious effect on the gene or gene product (conservation, evolutionary, splicing impact, etc).

NM_001609.4(ACADSB):c.227T>G (p.Ile76Ser)

Gene: ACADSB (acyl-CoA dehydrogenase short/branched chain; plus strand). Cytogenetic location: 10q26.13.
Variant type: single nucleotide variant.
Coding change: c.227T>G on transcript NM_001609.4 (MANE Select); coding-DNA position 227, T replaced by G.
Protein change: p.Ile76Ser; replaces isoleucine 76 with serine.
Molecular consequence: missense variant. On other transcripts: intron variant (1).
Genome position (GRCh38, 1-based): chr10:123,037,771, T>G. VCF-style: chr10-123037771-T-G. GRCh37 (hg19) VCF-style: chr10-124797287-T-G.
Other names: c.-3-2695T>G (NM_001330174.3); short protein forms I76S.
Identifiers: ClinVar variation 3382590 (VCV003382590.2).